The following is an entry in ClinVar:

NM_198129.4(LAMA3):c.9376G>A (p.Gly3126Arg)

Gene: LAMA3 (laminin subunit alpha 3; plus strand). Cytogenetic location: 18q11.2.
Variant type: single nucleotide variant.
Coding change: c.9376G>A on transcript NM_198129.4 (MANE Select); coding-DNA position 9376, G replaced by A.
Protein change: p.Gly3126Arg; replaces glycine 3126 with arginine.
Molecular consequence: missense variant.
Genome position (GRCh38, 1-based): chr18:23,949,789, G>A. VCF-style: chr18-23949789-G-A. GRCh37 (hg19) VCF-style: chr18-21529753-G-A.
Other names: c.4549G>A, p.Gly1517Arg (NM_000227.6); c.9208G>A, p.Gly3070Arg (NM_001127717.4); c.4381G>A, p.Gly1461Arg (NM_001127718.4); short protein forms G1461R, G1517R, G3070R, G3126R.
Identifiers: ClinVar variation 2631327 (VCV002631327.1), dbSNP rs2511679867, ClinGen allele CA402051569.

ClinVar aggregate classification (germline): Uncertain significance (1 of 4 stars; one submission).

Conditions:
LAMA3-related disorder. Also called: LAMA3-related condition; LAMA3-related disorders.

Submission:

PreventionGenetics, part of Exact Sciences
Classification: Uncertain significance for LAMA3-related condition. Last evaluated: 2023-08-01. Review status: criteria provided, single submitter. Criteria: ACMG Guidelines, 2015. Collection method: clinical testing. Allele origin: germline.
Comment: The LAMA3 c.4549G>A variant is predicted to result in the amino acid substitution p.Gly1517Arg. To our knowledge, this variant has not been reported in the literature or in a large population database, indicating this variant is rare. An alternate nucleotide change affecting the same amino acid (p.Gly1517Glu) has been reported in and individual with junctional epidermolysis bullosa (Referred to as p.Gly1506Glu, Scaturro et al 2003. PubMed ID: 12943669). At this time, the clinical significance of the c.4549G>A (p.Gly1517Arg) variant is uncertain due to the absence of conclusive functional and genetic evidence.